The following is an entry in ClinVar:

NM_033026.6(PCLO):c.1715T>C (p.Val572Ala)

Gene: PCLO (piccolo presynaptic cytomatrix protein; minus strand). Cytogenetic location: 7q21.11.
Variant type: single nucleotide variant.
Coding change: c.1715T>C on transcript NM_033026.6 (MANE Select); coding-DNA position 1715, T replaced by C.
Protein change: p.Val572Ala; replaces valine 572 with alanine.
Molecular consequence: missense variant.
Genome position (GRCh38, 1-based): chr7:83,154,926, A>G on the plus strand (T>C on the coding strand, the complement: PCLO is on the minus strand). VCF-style: chr7-83154926-A-G. GRCh37 (hg19) VCF-style: chr7-82784242-A-G.
Other names: c.1715T>C, p.Val572Ala (NM_014510.3); short protein forms V572A.
Identifiers: ClinVar variation 3650346 (VCV003650346.2).

ClinVar aggregate classification (germline): Uncertain significance (1 of 4 stars; one submission).

gnomAD v4.1: 2 of 1,613,968 alleles (0.00012%); highest among the groups gnomAD compares: South Asian, 0.0022%; no homozygotes.

Submission:

Labcorp Genetics (formerly Invitae), Labcorp
Classification: Uncertain significance. Last evaluated: 2024-04-24. Review status: criteria provided, single submitter. Criteria: Invitae Variant Classification Sherloc (09022015). Collection method: clinical testing. Allele origin: germline.
Comment: This sequence change replaces valine, which is neutral and non-polar, with alanine, which is neutral and non-polar, at codon 572 of the PCLO protein (p.Val572Ala). This variant is present in population databases (no rsID available, gnomAD 0.003%). This variant has not been reported in the literature in individuals affected with PCLO-related conditions. Algorithms developed to predict the effect of missense changes on protein structure and function output the following: SIFT: "Not Available"; PolyPhen-2: "Not Available"; Align-GVGD: "Not Available". The alanine amino acid residue is found in multiple mammalian species, which suggests that this missense change does not adversely affect protein function. In summary, the available evidence is currently insufficient to determine the role of this variant in disease. Therefore, it has been classified as a Variant of Uncertain Significance.